The following is an entry in ClinVar:

NM_001379270.1(CNGA1):c.1090C>G (p.Pro364Ala)

Genes: CNGA1 (cyclic nucleotide gated channel subunit alpha 1; minus strand), LOC101927157 (uncharacterized LOC101927157; plus strand). Cytogenetic location: 4p12.
Variant type: single nucleotide variant.
Coding change: c.1090C>G on transcript NM_001379270.1 (MANE Select); coding-DNA position 1090, C replaced by G.
Protein change: p.Pro364Ala; replaces proline 364 with alanine.
Molecular consequence: missense variant.
Genome position (GRCh38, 1-based): chr4:47,937,392, G>C on the plus strand (C>G on the coding strand, the complement: CNGA1 is on the minus strand). VCF-style: chr4-47937392-G-C. GRCh37 (hg19) VCF-style: chr4-47939409-G-C.
Other names: c.1090C>G, p.Pro364Ala (NM_000087.5, NM_001142564.2); short protein forms P364A.
Identifiers: ClinVar variation 1480550 (VCV001480550.8), dbSNP rs1738734750, ClinGen allele CA356827130.

ClinVar aggregate classification (germline): Uncertain significance (1 of 4 stars; one submission).

Allele frequency attached by ClinVar (database versions not stated): TOPMed 0.00001.

Submission:

Labcorp Genetics (formerly Invitae), Labcorp
Classification: Uncertain significance. Last evaluated: 2025-02-17. Review status: criteria provided, single submitter. Criteria: Invitae Variant Classification Sherloc (09022015). Collection method: clinical testing. Allele origin: germline.
Comment: This sequence change replaces proline, which is neutral and non-polar, with alanine, which is neutral and non-polar, at codon 368 of the CNGA1 protein (p.Pro368Ala). This variant is not present in population databases (gnomAD no frequency). This variant has not been reported in the literature in individuals affected with CNGA1-related conditions. ClinVar contains an entry for this variant (Variation ID: 1480550). Invitae Evidence Modeling of protein sequence and biophysical properties (such as structural, functional, and spatial information, amino acid conservation, physicochemical variation, residue mobility, and thermodynamic stability) indicates that this missense variant is not expected to disrupt CNGA1 protein function with a negative predictive value of 80%. In summary, the available evidence is currently insufficient to determine the role of this variant in disease. Therefore, it has been classified as a Variant of Uncertain Significance.